The following is an entry in ClinVar:

ClinVar aggregate classification (germline): Uncertain significance. Review status: criteria provided, multiple submitters, no conflicts (2 of 4 stars). 4 submissions from 4 submitters: Uncertain significance (4). Last evaluated 2025-12-10.

Conditions:
Mitochondrial complex II deficiency, nuclear type 1. Also called: SUCCINATE CoQ REDUCTASE DEFICIENCY. Identifiers: Orphanet 3208, MedGen C5700310, MONDO:0100294, OMIM 252011.
Pheochromocytoma/paraganglioma syndrome 5. Also called: Paragangliomas 5; SDHA-Related Hereditary Paraganglioma-Pheochromocytoma Syndrome. Identifiers: Orphanet 29072, MedGen C3279992, MONDO:0013602, OMIM 614165.
Hereditary cancer-predisposing syndrome. Also called: Hereditary Cancer Syndrome; Hereditary neoplastic syndrome; Neoplastic Syndromes, Hereditary; Tumor predisposition. Identifiers: Orphanet 140162, MedGen C0027672, MeSH D009386, MONDO:0015356.
Dilated cardiomyopathy 1GG (CMD1GG). Identifiers: Orphanet 154, MedGen C3150898, MONDO:0013339, OMIM 613642.

Allele frequency attached by ClinVar (database versions not stated): TOPMed 0.00003; gnomAD 0.00004; ESP Exome Variant Server 0.00008.
gnomAD v4.1: 23 of 1,613,792 alleles (0.0014%); highest among the groups gnomAD compares: African/African-American, 0.015%; no homozygotes.

Submissions (4):

Labcorp Genetics (formerly Invitae), Labcorp
Classification: Uncertain significance for Pheochromocytoma/paraganglioma syndrome 5; Mitochondrial complex II deficiency, nuclear type 1. Last evaluated: 2025-12-10. Review status: criteria provided, single submitter. Criteria: Invitae Variant Classification Sherloc (09022015). Collection method: clinical testing. Allele origin: germline.
Comment: This sequence change replaces glutamic acid, which is acidic and polar, with lysine, which is basic and polar, at codon 651 of the SDHA protein (p.Glu651Lys). This variant is present in population databases (rs375396913, gnomAD 0.008%). This variant has not been reported in the literature in individuals affected with SDHA-related conditions. ClinVar contains an entry for this variant (Variation ID: 220782). Invitae Evidence Modeling of protein sequence and biophysical properties (such as structural, functional, and spatial information, amino acid conservation, physicochemical variation, residue mobility, and thermodynamic stability) indicates that this missense variant is not expected to disrupt SDHA protein function with a negative predictive value of 95%. In summary, the available evidence is currently insufficient to determine the role of this variant in disease. Therefore, it has been classified as a Variant of Uncertain Significance.

Ambry Genetics
Classification: Uncertain significance for Hereditary cancer-predisposing syndrome. Last evaluated: 2025-09-03. Review status: criteria provided, single submitter. Criteria: Ambry Variant Classification Scheme 2023. Collection method: clinical testing. Allele origin: germline.
Comment: The p.E651K variant (also known as c.1951G>A), located in coding exon 15 of the SDHA gene, results from a G to A substitution at nucleotide position 1951. The glutamic acid at codon 651 is replaced by lysine, an amino acid with similar properties. This amino acid position is highly conserved in available vertebrate species. In addition, the in silico prediction for this alteration is inconclusive. Since supporting evidence is limited at this time, the clinical significance of this alteration remains unclear.

GeneDx
Classification: Uncertain significance. Last evaluated: 2023-09-29. Review status: criteria provided, single submitter. Criteria: GeneDx Variant Classification Process June 2021. Collection method: clinical testing. Allele origin: germline. Affected: yes.
Comment: Not observed at a significant frequency in large population cohorts (gnomAD); In silico analysis supports that this missense variant does not alter protein structure/function; Observed in an individual with breast and/or ovarian cancer and in a pediatric patient with myocarditis (Maxwell et al., 2016; Seidel et al., 2022); This variant is associated with the following publications: (PMID: 27153395, 35877578)

Baylor Genetics
Classification: Uncertain significance for Dilated cardiomyopathy 1GG. Last evaluated: 2023-08-23. Review status: criteria provided, single submitter. Criteria: ACMG Guidelines, 2015. Collection method: clinical testing. Allele origin: unknown.

NM_004168.4(SDHA):c.1951G>A (p.Glu651Lys)

Gene: SDHA (succinate dehydrogenase complex flavoprotein subunit A; plus strand). Cytogenetic location: 5p15.33.
Variant type: single nucleotide variant.
Coding change: c.1951G>A on transcript NM_004168.4 (MANE Select); coding-DNA position 1951, G replaced by A.
Protein change: p.Glu651Lys; replaces glutamic acid 651 with lysine.
Molecular consequence: missense variant.
Genome position (GRCh38, 1-based): chr5:256,376, G>A. VCF-style: chr5-256376-G-A. GRCh37 (hg19) VCF-style: chr5-256491-G-A.
Other names: c.1807G>A, p.Glu603Lys (NM_001294332.2); c.1708G>A, p.Glu570Lys (NM_001330758.2); short protein forms E651K, E570K, E603K.
Identifiers: ClinVar variation 220782 (VCV000220782.18), dbSNP rs375396913, ClinGen allele CA348665.